The following is an entry in ClinVar:

NM_000252.3(MTM1):c.821T>G (p.Leu274Arg)

Gene: MTM1 (myotubularin 1; plus strand). Cytogenetic location: Xq28.
Variant type: single nucleotide variant.
Coding change: c.821T>G on transcript NM_000252.3 (MANE Select); coding-DNA position 821, T replaced by G.
Protein change: p.Leu274Arg; replaces leucine 274 with arginine.
Molecular consequence: missense variant.
Genome position (GRCh38, 1-based): chrX:150,645,825, T>G. VCF-style: chrX-150645825-T-G. GRCh37 (hg19) VCF-style: chrX-149814298-T-G.
Other names: c.821T>G, p.Leu274Arg (NM_001376908.1, NM_001376906.1); c.710T>G, p.Leu237Arg (NM_001376907.1); short protein forms L274R, L237R.
Identifiers: ClinVar variation 1412177 (VCV001412177.7), dbSNP rs2148493317, ClinGen allele CA415256600.

ClinVar aggregate classification (germline): Uncertain significance. Review status: criteria provided, multiple submitters, no conflicts (2 of 4 stars). 2 submissions from 2 submitters: Uncertain significance (2). Last evaluated 2022-08-09.

Conditions:
Severe X-linked myotubular myopathy (CNMX). Also called: X-linked centronuclear myopathy; MYOTUBULAR MYOPATHY 1; Myotubular myopathy, X-linked. Identifiers: Orphanet 596, MedGen C0410203, MONDO:0010683, OMIM 310400.

Submissions (2):

Labcorp Genetics (formerly Invitae), Labcorp
Classification: Uncertain significance for Severe X-linked myotubular myopathy. Last evaluated: 2022-08-09. Review status: criteria provided, single submitter. Criteria: Invitae Variant Classification Sherloc (09022015). Collection method: clinical testing. Allele origin: germline.
Comment: In summary, the available evidence is currently insufficient to determine the role of this variant in disease. Therefore, it has been classified as a Variant of Uncertain Significance. Advanced modeling of protein sequence and biophysical properties (such as structural, functional, and spatial information, amino acid conservation, physicochemical variation, residue mobility, and thermodynamic stability) performed at Invitae indicates that this missense variant is expected to disrupt MTM1 protein function. ClinVar contains an entry for this variant (Variation ID: 1412177). This variant has not been reported in the literature in individuals affected with MTM1-related conditions. This variant is not present in population databases (gnomAD no frequency). This sequence change replaces leucine, which is neutral and non-polar, with arginine, which is basic and polar, at codon 274 of the MTM1 protein (p.Leu274Arg).

Johns Hopkins Genomics, Johns Hopkins University
Classification: Uncertain significance for Severe X-linked myotubular myopathy. Last evaluated: 2022-06-20. Review status: criteria provided, single submitter. Criteria: ACMG Guidelines, 2015. Collection method: clinical testing. Allele origin: germline.
Comment: This MTM1 variant is absent from a large population dataset and has been reported in ClinVar. Two bioinformatic tools queried predict that this substitution would be damaging, and the leucine residue at this position is strongly evolutionarily conserved across the vertebrate species assessed. Bioinformatic analysis predicts that this missense variant would not affect normal exon 9 splicing, although this has not been confirmed experimentally to our knowledge. Due to insufficient evidence that this variant is deleterious, we consider the clinical significance of c.821T>G (p.Leu274Arg) to be uncertain at this time.

Literature cited by the submitters: PubMed 20301605 (cited by Johns Hopkins Genomics, Johns Hopkins University); PubMed 28685322 (cited by Johns Hopkins Genomics, Johns Hopkins University); PubMed 29567349 (cited by Johns Hopkins Genomics, Johns Hopkins University).